The following is an entry in ClinVar:

ClinVar aggregate classification (germline): Uncertain significance (1 of 4 stars; one submission).

Conditions:
Chromosome 2q32-q33 deletion syndrome (GLASS). Also called: 2q33.1 deletion syndrome; Glass syndrome. Identifiers: Orphanet 251019, MedGen C2676739, MONDO:0012864, OMIM 612313.

Submission:

Labcorp Genetics (formerly Invitae), Labcorp
Classification: Uncertain significance for Chromosome 2q32-q33 deletion syndrome. Last evaluated: 2025-12-15. Review status: criteria provided, single submitter. Criteria: Invitae Variant Classification Sherloc (09022015). Collection method: clinical testing. Allele origin: germline.
Comment: This variant, c.2098_2100del, results in the deletion of 1 amino acid(s) of the SATB2 protein (p.Glu700del), but otherwise preserves the integrity of the reading frame. This variant is present in population databases (no rsID available, gnomAD 0.007%). This variant has not been reported in the literature in individuals affected with SATB2-related conditions. Experimental studies and prediction algorithms are not available or were not evaluated, and the functional significance of this variant is currently unknown. In summary, the available evidence is currently insufficient to determine the role of this variant in disease. Therefore, it has been classified as a Variant of Uncertain Significance.

NM_001172509.2(SATB2):c.2095GAG[1] (p.Glu700del)

Genes: SATB2 (SATB homeobox 2; minus strand), LOC126806462 (MED14-independent group 3 enhancer GRCh37_chr2:200136608-200137807; plus strand). Cytogenetic location: 2q33.1.
Variant type: Microsatellite.
Coding change: c.2095GAG[1] on transcript NM_001172509.2 (MANE Select); one copy of the 3-base unit GAG starting at c.2095; the reference has two copies in a row; one copy, 3 bases deleted.
Protein change: p.Glu700del; deletes glutamic acid 700.
Genome position (GRCh38, 1-based): chr2:199,272,313-199,272,315, CTC deleted on the plus strand (GAG on the coding strand, the reverse complement: SATB2 is on the minus strand); deleting any 3 consecutive bases within chr2:199,272,313-199,272,318 gives the same sequence; the position shown is the placement nearest the transcript's 3' end. VCF-style (leftmost placement, unchanged base first): chr2-199272312-TCTC-T. GRCh37 (hg19) VCF-style: chr2-200137035-TCTC-T.
Other names: c.2095GAG[1], p.Glu700del (NM_001172517.1, NM_015265.4); short protein forms E700del.
Identifiers: ClinVar variation 4797864 (VCV004797864.1).